The following is an entry in ClinVar:

ClinVar aggregate classification (germline): Likely benign (0 of 4 stars; one submission).

Conditions:
MEGF8-related disorder. Also called: MEGF8-related condition.

Allele frequency attached by ClinVar (database versions not stated): TOPMed 0.00005; gnomAD 0.00007; ExAC 0.00009; ESP Exome Variant Server 0.00023.
gnomAD v4.1: 31 of 1,602,004 alleles (0.0019%); highest among the groups gnomAD compares: African/African-American, 0.012%; no homozygotes.

Submission:

PreventionGenetics, part of Exact Sciences
Classification: Likely benign for MEGF8-related condition. Last evaluated: 2019-04-11. Review status: no assertion criteria provided. Collection method: clinical testing. Allele origin: germline.
Comment: This variant is classified as likely benign based on ACMG/AMP sequence variant interpretation guidelines (Richards et al. 2015 PMID: 25741868, with internal and published modifications).

NM_001271938.2(MEGF8):c.1668C>T (p.Asp556=)

Gene: MEGF8 (multiple EGF like domains 8; plus strand). Cytogenetic location: 19q13.2.
Variant type: single nucleotide variant.
Coding change: c.1668C>T on transcript NM_001271938.2 (MANE Select); coding-DNA position 1668, C replaced by T.
Protein change: p.Asp556=; no amino-acid change (aspartic acid 556 retained).
Molecular consequence: synonymous variant.
Genome position (GRCh38, 1-based): chr19:42,343,631, C>T. VCF-style: chr19-42343631-C-T. GRCh37 (hg19) VCF-style: chr19-42847783-C-T.
Other names: c.1668C>T, p.Asp556= (NM_001410.3).
Identifiers: ClinVar variation 3046436 (VCV003046436.2), dbSNP rs370015031, ClinGen allele CA9474507.